The following is an entry in ClinVar:

NM_201253.3(CRB1):c.3679G>A (p.Ala1227Thr)

Gene: CRB1 (crumbs cell polarity complex component 1; plus strand). Cytogenetic location: 1q31.3.
Variant type: single nucleotide variant.
Coding change: c.3679G>A on transcript NM_201253.3 (MANE Select); coding-DNA position 3679, G replaced by A.
Protein change: p.Ala1227Thr; replaces alanine 1227 with threonine.
Molecular consequence: missense variant. On other transcripts: non-coding transcript variant (2), intron variant (1).
Genome position (GRCh38, 1-based): chr1:197,435,542, G>A. VCF-style: chr1-197435542-G-A. GRCh37 (hg19) VCF-style: chr1-197404672-G-A.
Other names: c.3343G>A, p.Ala1115Thr (NM_001193640.2); c.3607G>A, p.Ala1203Thr (NM_001257965.2); c.2129-58G>A (NM_001257966.2); short protein forms A1115T, A1203T, A1227T.
Identifiers: ClinVar variation 1934265 (VCV001934265.5), dbSNP rs2528204979, ClinGen allele CA344050403.

ClinVar aggregate classification (germline): Uncertain significance (1 of 4 stars; one submission).

Conditions:
Retinitis pigmentosa 12 (RP12). Also called: RP WITH OR WITHOUT PRESERVED PARAARTERIOLE RETINAL PIGMENT EPITHELIUM; RETINITIS PIGMENTOSA WITH OR WITHOUT PARAARTERIOLAR PRESERVATION OF RETINAL PIGMENT EPITHELIUM; RP WITH OR WITHOUT PPRPE. Identifiers: Orphanet 791, MedGen C1838647, MONDO:0010818, OMIM 600105.
Leber congenital amaurosis 8 (LCA8). Identifiers: Orphanet 65, MedGen C3151202, MONDO:0013453, OMIM 613835.

Allele frequency attached by ClinVar (database versions not stated): gnomAD exomes 0.00001.
gnomAD v4.1: 5 of 1,613,414 alleles (0.00031%); highest among the groups gnomAD compares: Non-Finnish European, 0.00042%; no homozygotes.

Submission:

Labcorp Genetics (formerly Invitae), Labcorp
Classification: Uncertain significance for Leber congenital amaurosis 8; Retinitis pigmentosa 12. Last evaluated: 2025-04-28. Review status: criteria provided, single submitter. Criteria: Invitae Variant Classification Sherloc (09022015). Collection method: clinical testing. Allele origin: germline.
Comment: This sequence change replaces alanine, which is neutral and non-polar, with threonine, which is neutral and polar, at codon 1227 of the CRB1 protein (p.Ala1227Thr). This variant is not present in population databases (gnomAD no frequency). This variant has not been reported in the literature in individuals affected with CRB1-related conditions. ClinVar contains an entry for this variant (Variation ID: 1934265). Invitae Evidence Modeling of protein sequence and biophysical properties (such as structural, functional, and spatial information, amino acid conservation, physicochemical variation, residue mobility, and thermodynamic stability) indicates that this missense variant is expected to disrupt CRB1 protein function with a positive predictive value of 95%. In summary, the available evidence is currently insufficient to determine the role of this variant in disease. Therefore, it has been classified as a Variant of Uncertain Significance.